The following is an entry in ClinVar:

NM_000326.5(RLBP1):c.875C>T (p.Thr292Met)

Gene: RLBP1 (retinaldehyde binding protein 1; minus strand). Cytogenetic location: 15q26.1.
Variant type: single nucleotide variant.
Coding change: c.875C>T on transcript NM_000326.5 (MANE Select); coding-DNA position 875, C replaced by T.
Protein change: p.Thr292Met; replaces threonine 292 with methionine.
Molecular consequence: missense variant.
Genome position (GRCh38, 1-based): chr15:89,210,364, G>A on the plus strand (C>T on the coding strand, the complement: RLBP1 is on the minus strand). VCF-style: chr15-89210364-G-A. GRCh37 (hg19) VCF-style: chr15-89753595-G-A.
Other names: short protein forms T292M.
Identifiers: ClinVar variation 317232 (VCV000317232.13), dbSNP rs201588178, ClinGen allele CA7722155.

ClinVar aggregate classification (germline): Uncertain significance. Review status: criteria provided, multiple submitters, no conflicts (2 of 4 stars). 4 submissions from 4 submitters: Uncertain significance (4). Last evaluated 2025-11-07.

Conditions:
RLBP1-related disorder. Also called: RLBP1-related disorders; RLBP1-related condition. Identifiers: MedGen CN239413.
Retinal dystrophy. Also called: Inherited retinal dystrophy. Identifiers: HP:0000556, Orphanet 71862, MedGen C0854723, MeSH D058499, MONDO:0019118.

Allele frequency attached by ClinVar (database versions not stated): gnomAD exomes 0.00004; gnomAD 0.00006 and 0.00007; ExAC 0.00007; TOPMed 0.00007; 1000 Genomes Project 30x 0.00016; 1000 Genomes Project 0.00020.
gnomAD v4.1: 74 of 1,614,154 alleles (0.0046%); highest among the groups gnomAD compares: East Asian, 0.029%; no homozygotes.

Submissions (4):

PreventionGenetics, part of Exact Sciences
Classification: Uncertain significance for RLBP1-related condition. Last evaluated: 2025-11-07. Review status: criteria provided, single submitter. Criteria: ACMG Guidelines, 2015. Collection method: clinical testing. Allele origin: germline.
Comment: The RLBP1 c.875C>T variant is predicted to result in the amino acid substitution p.Thr292Met. This variant has been reported in the heterozygous state in individuals with retinitis pigmentosa (Gonzalez-del Pozo et al. 2011. PubMed ID: 22164218; supplementary data, Koyanagi et al. 2019. PubMed ID: 31213501). This variant is reported in 0.010% of alleles in individuals of East Asian descent in gnomAD. At this time, the clinical significance of this variant is uncertain due to the absence of conclusive functional and genetic evidence.

Labcorp Genetics (formerly Invitae), Labcorp
Classification: Uncertain significance. Last evaluated: 2024-10-29. Review status: criteria provided, single submitter. Criteria: Invitae Variant Classification Sherloc (09022015). Collection method: clinical testing. Allele origin: germline.
Comment: This sequence change replaces threonine, which is neutral and polar, with methionine, which is neutral and non-polar, at codon 292 of the RLBP1 protein (p.Thr292Met). This variant is present in population databases (rs201588178, gnomAD 0.01%). This missense change has been observed in individual(s) with autosomal recessive retinitis pigmentosa (PMID: 22164218). ClinVar contains an entry for this variant (Variation ID: 317232). Invitae Evidence Modeling of protein sequence and biophysical properties (such as structural, functional, and spatial information, amino acid conservation, physicochemical variation, residue mobility, and thermodynamic stability) indicates that this missense variant is not expected to disrupt RLBP1 protein function with a negative predictive value of 95%. In summary, the available evidence is currently insufficient to determine the role of this variant in disease. Therefore, it has been classified as a Variant of Uncertain Significance.

Dept Of Ophthalmology, Nagoya University
Classification: Uncertain significance for Retinal dystrophy. Last evaluated: 2023-10-01. Review status: criteria provided, single submitter. Criteria: Submitter's publication. Collection method: research. Allele origin: germline. Affected: yes.

Blueprint Genetics
Classification: Uncertain significance. Last evaluated: 2022-06-10. Review status: criteria provided, single submitter. Criteria: ACMG Guidelines, 2015. Collection method: clinical testing. Allele origin: germline.

Literature cited by the submitters: PubMed 22164218 (cited by Labcorp Genetics (formerly Invitae), Labcorp).